The following is an entry in ClinVar:

ClinVar aggregate classification (germline): Uncertain significance (1 of 4 stars; one submission).

Conditions:
PHGDH deficiency. Identifiers: Orphanet 79351, MedGen C1866174, MONDO:0011152, OMIM 601815.

Allele frequency attached by ClinVar (database versions not stated): gnomAD exomes below 0.00001; TOPMed below 0.00001.
gnomAD v4.1: 1 of 1,614,218 alleles (0.000062%); highest among the groups gnomAD compares: Admixed American, 0.0017%; no homozygotes.

Submission:

Labcorp Genetics (formerly Invitae), Labcorp
Classification: Uncertain significance for PHGDH deficiency. Last evaluated: 2025-06-22. Review status: criteria provided, single submitter. Criteria: Invitae Variant Classification Sherloc (09022015). Collection method: clinical testing. Allele origin: germline.
Comment: This sequence change replaces valine, which is neutral and non-polar, with methionine, which is neutral and non-polar, at codon 232 of the PHGDH protein (p.Val232Met). This variant is present in population databases (no rsID available, gnomAD 0.003%). This variant has not been reported in the literature in individuals affected with PHGDH-related conditions. ClinVar contains an entry for this variant (Variation ID: 859243). Invitae Evidence Modeling of protein sequence and biophysical properties (such as structural, functional, and spatial information, amino acid conservation, physicochemical variation, residue mobility, and thermodynamic stability) indicates that this missense variant is expected to disrupt PHGDH protein function with a positive predictive value of 80%. In summary, the available evidence is currently insufficient to determine the role of this variant in disease. Therefore, it has been classified as a Variant of Uncertain Significance.

NM_006623.4(PHGDH):c.694G>A (p.Val232Met)

Gene: PHGDH (phosphoglycerate dehydrogenase; plus strand). Cytogenetic location: 1p12.
Variant type: single nucleotide variant.
Coding change: c.694G>A on transcript NM_006623.4 (MANE Select); coding-DNA position 694, G replaced by A.
Protein change: p.Val232Met; replaces valine 232 with methionine.
Molecular consequence: missense variant.
Genome position (GRCh38, 1-based): chr1:119,735,345, G>A. VCF-style: chr1-119735345-G-A. GRCh37 (hg19) VCF-style: chr1-120277968-G-A.
Other names: short protein forms V232M.
Identifiers: ClinVar variation 859243 (VCV000859243.8), dbSNP rs1359915168, ClinGen allele CA341850109.
Genomic context (GRCh38, chr1:119,735,345, plus strand): 5'-TTTCTTCCAGGCTTGCTGAATGACAACACCTTTGCCCAGTGCAAGAAGGGGGTGCGTGTG[G>A]TGAACTGTGCCCGTGGAGGGATCGTGGACGAAGGCGCCCTGCTCCGGGCCCTGCAGTCTG-3'
Protein context (NP_006614.2, residues 222-242): FAQCKKGVRV[Val232Met]NCARGGIVDE